The following is an entry in ClinVar:

NM_174936.4(PCSK9):c.78G>A (p.Ala26=)

Gene: PCSK9 (proprotein convertase subtilisin/kexin type 9; plus strand). Cytogenetic location: 1p32.3.
Variant type: single nucleotide variant.
Coding change: c.78G>A on transcript NM_174936.4 (MANE Select); coding-DNA position 78, G replaced by A.
Protein change: p.Ala26=; no amino-acid change (alanine 26 retained).
Molecular consequence: synonymous variant. On other transcripts: 5 prime UTR variant (1), non-coding transcript variant (8).
Genome position (GRCh38, 1-based): chr1:55,039,915, G>A. VCF-style: chr1-55039915-G-A. GRCh37 (hg19) VCF-style: chr1-55505588-G-A.
Other names: c.78G>A, p.Ala26= (NM_001407240.1, NM_001407241.1, NM_001407242.1 and 4 more transcripts); c.-657G>A (NM_001407246.1).
Identifiers: ClinVar variation 1761130 (VCV001761130.3), dbSNP rs1644585207, ClinGen allele CA417957328.

ClinVar aggregate classification (germline): Likely benign. Review status: criteria provided, multiple submitters, no conflicts (2 of 4 stars). 2 submissions from 2 submitters: Likely benign (2). Last evaluated 2023-11-20.

Conditions:
Hypercholesterolemia, autosomal dominant, 3 (FHCL3). Also called: Familial Hypercholesterolemia, Autosomal Dominant, 3; PCSK9-Related Familial Hypercholesterolemia, Autosomal Dominant; Familial hypercholesterolemia 3. Identifiers: MedGen C1863551, MONDO:0011369, OMIM 603776.
Cardiovascular phenotype. Identifiers: MedGen CN230736.

Allele frequency attached by ClinVar (database versions not stated): gnomAD 0.00001.

Submissions (2):

All of Us Research Program, National Institutes of Health
Classification: Likely benign for Hypercholesterolemia, autosomal dominant, 3. Last evaluated: 2023-11-20. Review status: criteria provided, single submitter. Criteria: ACMG Guidelines, 2015. Collection method: clinical testing. Allele origin: germline. Inheritance: Autosomal dominant inheritance. Observed: 1 variant allele, 1 heterozygote.
Comment: This study involves interpretation of variants in research participants for the purpose of population health screening. Participant phenotype was not available at the time of variant classification. Additional details can be found in publication PMID: 35346344, PMCID: PMC8962531

Ambry Genetics
Classification: Likely benign for Cardiovascular phenotype. Last evaluated: 2020-11-09. Review status: criteria provided, single submitter. Criteria: Ambry Variant Classification Scheme 2023. Collection method: clinical testing. Allele origin: germline.